The following is an entry in ClinVar:

ClinVar aggregate classification (germline): Uncertain significance. Review status: criteria provided, multiple submitters, no conflicts (2 of 4 stars). 2 submissions from 2 submitters: Uncertain significance (2). Last evaluated 2024-03-01.

Allele frequency attached by ClinVar (database versions not stated): gnomAD 0.00001; gnomAD exomes 0.00001 and 0.00004; TOPMed 0.00001; ExAC 0.00002.
gnomAD v4.1: 14 of 1,614,072 alleles (0.00087%); highest among the groups gnomAD compares: East Asian, 0.027%; no homozygotes.

Submissions (2):

Ambry Genetics
Classification: Uncertain significance. Last evaluated: 2024-03-01. Review status: criteria provided, single submitter. Criteria: Ambry Variant Classification Scheme 2023. Collection method: clinical testing. Allele origin: germline.

Labcorp Genetics (formerly Invitae), Labcorp
Classification: Uncertain significance. Last evaluated: 2021-04-02. Review status: criteria provided, single submitter. Criteria: Invitae Variant Classification Sherloc (09022015). Collection method: clinical testing. Allele origin: germline.
Comment: In summary, the available evidence is currently insufficient to determine the role of this variant in disease. Therefore, it has been classified as a Variant of Uncertain Significance. Algorithms developed to predict the effect of missense changes on protein structure and function are either unavailable or do not agree on the potential impact of this missense change (SIFT: "Not Available"; PolyPhen-2: "Possibly Damaging"; Align-GVGD: "Not Available"). This variant has not been reported in the literature in individuals with ADD3-related conditions. This variant is present in population databases (rs760088973, ExAC 0.03%). This sequence change replaces lysine with glutamic acid at codon 342 of the ADD3 protein (p.Lys342Glu). The lysine residue is highly conserved and there is a small physicochemical difference between lysine and glutamic acid.

NM_016824.5(ADD3):c.1024A>G (p.Lys342Glu)

Gene: ADD3 (adducin 3; plus strand). Cytogenetic location: 10q25.2.
Variant type: single nucleotide variant.
Coding change: c.1024A>G on transcript NM_016824.5 (MANE Select); coding-DNA position 1024, A replaced by G.
Protein change: p.Lys342Glu; replaces lysine 342 with glutamic acid.
Molecular consequence: missense variant.
Genome position (GRCh38, 1-based): chr10:110,122,173, A>G. VCF-style: chr10-110122173-A-G. GRCh37 (hg19) VCF-style: chr10-111881931-A-G.
Other names: c.1024A>G (NM_016824.3); c.1024A>G, p.Lys342Glu (NM_001121.4, NM_001320591.2, NM_001320592.2 and 2 more transcripts); c.790A>G, p.Lys264Glu (NM_001320594.2); short protein forms K264E, K342E.
Identifiers: ClinVar variation 1384238 (VCV001384238.9), dbSNP rs760088973, ClinGen allele CA5686523.